The following is an entry in ClinVar:

NM_007194.4(CHEK2):c.1341del (p.Phe447fs)

Gene: CHEK2 (checkpoint kinase 2; minus strand). Cytogenetic location: 22q12.1.
Variant type: Deletion.
Coding change: c.1341del on transcript NM_007194.4 (MANE Select); coding-DNA position 1341, one base deleted (C; older notation c.1341delC).
Protein change: p.Phe447fs; shifts the reading frame from phenylalanine 447.
Molecular consequence: frameshift variant.
Genome position (GRCh38, 1-based): chr22:28,695,161, G deleted on the plus strand (C on the coding strand, the reverse complement: CHEK2 is on the minus strand). VCF-style (leftmost placement, unchanged base first): chr22-28695160-TG-T. GRCh37 (hg19) VCF-style: chr22-29091148-TG-T.
Other names: c.1470delC, p.Phe490Leufs (NM_001005735.3); c.678delC, p.Phe226Leufs (NM_001257387.3); c.1140delC, p.Phe380Leufs (NM_001349956.3); c.1254delC, p.Phe418Leufs (NM_145862.3); short protein forms F418fs, F226fs, F490fs, F380fs, F447fs.
Identifiers: ClinVar variation 1357489 (VCV001357489.8), dbSNP rs2145793726, ClinGen allele CA2573157928.

ClinVar aggregate classification (germline): Pathogenic. Review status: criteria provided, multiple submitters, no conflicts (2 of 4 stars). 2 submissions from 2 submitters: Pathogenic (2). Last evaluated 2024-03-29.

Conditions:
Familial cancer of breast. Also called: Hereditary breast cancer; BREAST CANCER, FAMILIAL; hereditary breast carcinoma. Identifiers: Orphanet 227535, MedGen C0346153, MONDO:0016419, OMIM 114480. Disease mechanism: loss of function.

Allele frequency attached by ClinVar (database versions not stated): gnomAD exomes below 0.00001.

Submissions (2):

Myriad Genetics, Inc.
Classification: Pathogenic for Familial cancer of breast. Last evaluated: 2024-03-29. Review status: criteria provided, single submitter. Criteria: Myriad Autosomal Dominant, Autosomal Recessive and X-Linked Classification Criteria (2023). Collection method: clinical testing. Allele origin: unknown.
Comment: This variant is considered pathogenic. This variant creates a frameshift predicted to result in premature protein truncation.

Labcorp Genetics (formerly Invitae), Labcorp
Classification: Pathogenic for Familial cancer of breast. Last evaluated: 2021-10-18. Review status: criteria provided, single submitter. Criteria: Invitae Variant Classification Sherloc (09022015). Collection method: clinical testing. Allele origin: germline.
Comment: This sequence change creates a premature translational stop signal (p.Phe447Leufs*22) in the CHEK2 gene. It is expected to result in an absent or disrupted protein product. Loss-of-function variants in CHEK2 are known to be pathogenic (PMID: 21876083, 24713400). For these reasons, this variant has been classified as Pathogenic. This variant has not been reported in the literature in individuals with CHEK2-related conditions. This variant is not present in population databases (ExAC no frequency).

Literature cited by the submitters: PubMed 21876083 (cited by Labcorp Genetics (formerly Invitae), Labcorp); PubMed 24713400 (cited by Labcorp Genetics (formerly Invitae), Labcorp).